The following is an entry in ClinVar:

NM_213655.5(WNK1):c.2594T>C (p.Val865Ala)

Gene: WNK1 (WNK lysine deficient protein kinase 1; plus strand). Cytogenetic location: 12p13.33.
Variant type: single nucleotide variant.
Coding change: c.2594T>C on transcript NM_213655.5 (MANE Plus Clinical); coding-DNA position 2594, T replaced by C.
Protein change: p.Val865Ala; replaces valine 865 with alanine.
Molecular consequence: missense variant. On other transcripts: intron variant (2).
Genome position (GRCh38, 1-based): chr12:868,065, T>C. VCF-style: chr12-868065-T-C. GRCh37 (hg19) VCF-style: chr12-977231-T-C.
Other names: c.2339T>C, p.Val780Ala (NM_001184985.2); c.2140-3200T>C (NM_018979.4, NM_014823.3); short protein forms V780A, V865A.
Identifiers: ClinVar variation 3762568 (VCV003762568.2).

ClinVar aggregate classification (germline): Uncertain significance (1 of 4 stars; one submission).

Conditions:
Neuropathy, hereditary sensory and autonomic, type 2A (HSAN2A). Also called: HSAN IIA; WNK1-Related HSAN2 (HSAN2A); ACROOSTEOLYSIS, GIACCAI TYPE; ACROOSTEOLYSIS, NEUROGENIC; MORVAN DISEASE; NEUROPATHY, CONGENITAL SENSORY. Identifiers: Orphanet 970, MedGen C2752089, MONDO:0024309, OMIM 201300.
Pseudohypoaldosteronism type 2C (PHA2C). Also called: Pseudohypoaldosteronism Type IIC. Identifiers: Orphanet 757, Orphanet 88940, MedGen C1840391, MONDO:0013778, OMIM 614492.

gnomAD v4.1: 3 of 1,614,022 alleles (0.00019%); highest among the groups gnomAD compares: Non-Finnish European, 0.00025%; no homozygotes.

Submission:

Labcorp Genetics (formerly Invitae), Labcorp
Classification: Uncertain significance for Neuropathy, hereditary sensory and autonomic, type 2A; Pseudohypoaldosteronism type 2C. Last evaluated: 2024-05-26. Review status: criteria provided, single submitter. Criteria: Invitae Variant Classification Sherloc (09022015). Collection method: clinical testing. Allele origin: germline.
Comment: This sequence change replaces valine, which is neutral and non-polar, with alanine, which is neutral and non-polar, at codon 865 of the WNK1 protein (p.Val865Ala). This variant is present in population databases (rs779851647, gnomAD 0.002%). This variant has not been reported in the literature in individuals affected with WNK1-related conditions. Advanced modeling of protein sequence and biophysical properties (such as structural, functional, and spatial information, amino acid conservation, physicochemical variation, residue mobility, and thermodynamic stability) performed at Invitae indicates that this missense variant is not expected to disrupt WNK1 protein function with a negative predictive value of 95%. In summary, the available evidence is currently insufficient to determine the role of this variant in disease. Therefore, it has been classified as a Variant of Uncertain Significance.